The following is an entry in ClinVar:

NM_001365276.2(TNXB):c.499T>A (p.Cys167Ser)

Gene: TNXB (tenascin XB; minus strand). Cytogenetic location: 6p21.33.
Variant type: single nucleotide variant.
Coding change: c.499T>A on transcript NM_001365276.2 (MANE Select); coding-DNA position 499, T replaced by A.
Protein change: p.Cys167Ser; replaces cysteine 167 with serine.
Molecular consequence: missense variant.
Genome position (GRCh38, 1-based): chr6:32,097,354, A>T on the plus strand (T>A on the coding strand, the complement: TNXB is on the minus strand). VCF-style: chr6-32097354-A-T. GRCh37 (hg19) VCF-style: chr6-32065131-A-T.
Other names: p.Cys167Ser; c.499T>A, p.Cys167Ser (NM_019105.8); short protein forms C167S.
Identifiers: ClinVar variation 2249028 (VCV002249028.4), dbSNP rs768737990, ClinGen allele CA3735839.

ClinVar aggregate classification (germline): Uncertain significance. Review status: criteria provided, multiple submitters, no conflicts (2 of 4 stars). 2 submissions from 2 submitters: Uncertain significance (2). Last evaluated 2024-05-20.

Conditions:
Cardiovascular phenotype. Identifiers: MedGen CN230736.

Allele frequency attached by ClinVar (database versions not stated): ExAC 0.00001; gnomAD exomes 0.00001; gnomAD 0.00002; TOPMed 0.00004.
gnomAD v4.1: 22 of 1,612,972 alleles (0.0014%); highest among the groups gnomAD compares: Admixed American, 0.005%; no homozygotes.

Submissions (2):

Ambry Genetics
Classification: Uncertain significance for Cardiovascular phenotype. Last evaluated: 2024-05-20. Review status: criteria provided, single submitter. Criteria: Ambry Variant Classification Scheme 2023. Collection method: clinical testing. Allele origin: germline.
Comment: The p.C167S variant (also known as c.499T>A), located in coding exon 2 of the TNXB gene, results from a T to A substitution at nucleotide position 499. The cysteine at codon 167 is replaced by serine, an amino acid with dissimilar properties. This amino acid position is highly conserved in available vertebrate species. In addition, this alteration is predicted to be deleterious by in silico analysis. Based on the available evidence, the clinical significance of this variant remains unclear.

Mayo Clinic Laboratories, Mayo Clinic
Classification: Uncertain significance. Last evaluated: 2023-08-24. Review status: criteria provided, single submitter. Criteria: ACMG Guidelines, 2015. Collection method: clinical testing. Allele origin: germline. Observed: 1 variant allele.